The following is an entry in ClinVar:

ClinVar aggregate classification (germline): Pathogenic/Likely pathogenic. Review status: criteria provided, multiple submitters, no conflicts (2 of 4 stars). 4 submissions from 4 submitters: Pathogenic (1); Likely pathogenic (1). 2 of the submissions do not count toward it. Last evaluated 2024-12-04.

Conditions:
KRT14-related disorder. Also called: KRT14-related condition.
Epidermolysis bullosa simplex, Koebner type. Identifiers: Orphanet 79399, MedGen C5561924, MONDO:0007554, OMIM 131900.

Submissions (4):

GeneDx
Classification: Pathogenic. Last evaluated: 2024-12-04. Review status: criteria provided, single submitter. Criteria: GeneDx Variant Classification Process June 2021. Collection method: clinical testing. Allele origin: germline. Affected: yes.
Comment: Located in the highly conserved helix termination motif of the alpha-helical rod domain, which is intolerant to change; variants in this motif interfere with proper keratin intermediate filament assembly and function, resulting in skin fragility and/or hyperkeratosis (PMID: 21176769); Not observed at significant frequency in large population cohorts (gnomAD); In silico analysis supports that this missense variant has a deleterious effect on protein structure/function; This variant is associated with the following publications: (PMID: 21176769, 25017986, 10733662, 10820403, 20199538, 20060687)

Blueprint Genetics
Classification: Likely pathogenic for KRT14-related disorders. Last evaluated: 2018-01-08. Review status: criteria provided, single submitter. Criteria: ACMG Guidelines, 2015. Collection method: clinical testing. Allele origin: germline. Affected: yes. Observed: 1 variant allele.

OMIM
Classification: Pathogenic for EPIDERMOLYSIS BULLOSA SIMPLEX 1B, GENERALIZED INTERMEDIATE. Last evaluated: 2000-04-01. Review status: no assertion criteria provided. Collection method: literature only. Allele origin: germline. Not counted in ClinVar's aggregate classification.

Epithelial Biology;  Institute of Medical Biology, Singapore
No classification provided. Review status: no classification provided. Collection method: not provided. Allele origin: not provided. Not counted in ClinVar's aggregate classification.

Literature cited by the submitters: PubMed 10733662 (cited by OMIM).

NM_000526.5(KRT14):c.1243T>C (p.Tyr415His)

Gene: KRT14 (keratin 14; minus strand). Cytogenetic location: 17q21.2.
Variant type: single nucleotide variant.
Coding change: c.1243T>C on transcript NM_000526.5 (MANE Select); coding-DNA position 1243, T replaced by C.
Protein change: p.Tyr415His; replaces tyrosine 415 with histidine.
Molecular consequence: missense variant.
Genome position (GRCh38, 1-based): chr17:41,583,266, A>G on the plus strand (T>C on the coding strand, the complement: KRT14 is on the minus strand). VCF-style: chr17-41583266-A-G. GRCh37 (hg19) VCF-style: chr17-39739518-A-G.
Other names: short protein forms Y415H.
Identifiers: ClinVar variation 14621 (VCV000014621.8), dbSNP rs58380626, ClinGen allele CA216861.